The following is an entry in ClinVar:

ClinVar aggregate classification (germline): Uncertain significance (1 of 4 stars; one submission).

Conditions:
Werner syndrome (WRN). Identifiers: Orphanet 902, MedGen C0043119, MONDO:0010196, OMIM 277700.

gnomAD v4.1: 4 of 1,613,132 alleles (0.00025%); highest among the groups gnomAD compares: African/African-American, 0.0013%; no homozygotes.

Submission:

Labcorp Genetics (formerly Invitae), Labcorp
Classification: Uncertain significance for Werner syndrome. Last evaluated: 2025-02-02. Review status: criteria provided, single submitter. Criteria: Invitae Variant Classification Sherloc (09022015). Collection method: clinical testing. Allele origin: germline.
Comment: This sequence change replaces threonine, which is neutral and polar, with methionine, which is neutral and non-polar, at codon 1345 of the WRN protein (p.Thr1345Met). This variant is not present in population databases (gnomAD no frequency). This variant has not been reported in the literature in individuals affected with WRN-related conditions. ClinVar contains an entry for this variant (Variation ID: 840222). An algorithm developed to predict the effect of missense changes on protein structure and function outputs the following: PolyPhen-2: "Benign". The methionine amino acid residue is found in multiple mammalian species, which suggests that this missense change does not adversely affect protein function. In summary, the available evidence is currently insufficient to determine the role of this variant in disease. Therefore, it has been classified as a Variant of Uncertain Significance.

NM_000553.6(WRN):c.4034C>T (p.Thr1345Met)

Gene: WRN (WRN RecQ like helicase; plus strand). Cytogenetic location: 8p12.
Variant type: single nucleotide variant.
Coding change: c.4034C>T on transcript NM_000553.6 (MANE Select); coding-DNA position 4034, C replaced by T.
Protein change: p.Thr1345Met; replaces threonine 1345 with methionine.
Molecular consequence: missense variant.
Genome position (GRCh38, 1-based): chr8:31,167,073, C>T. VCF-style: chr8-31167073-C-T. GRCh37 (hg19) VCF-style: chr8-31024589-C-T.
Other names: short protein forms T1345M.
Identifiers: ClinVar variation 840222 (VCV000840222.5), dbSNP rs759390217, ClinGen allele CA370908878.